The following is an entry in ClinVar:

NR_003137.3(RNU4-2):n.7G>C

Genes: RNU4-2 (RNA, U4 small nuclear 2; minus strand), SIRT4 (sirtuin 4; plus strand). Cytogenetic location: 12q24.23.
Variant type: single nucleotide variant.
Molecular consequence: non-coding transcript variant (on NR_003137.3).
Genome position: GRCh38 VCF-style: chr12-120291897-C-G. GRCh37 (hg19) VCF-style: chr12-120729700-C-G.
Identifiers: ClinVar variation 4795807 (VCV004795807.1).

ClinVar aggregate classification (germline): Uncertain significance (1 of 4 stars; one submission).

Conditions:
Neurodevelopmental disorder with hypotonia, brain anomalies, distinctive facies, and absent language. Also called: ReNU SYNDROME; RNU4-2-Related Neurodevelopmental Disorder; RNU4-2–Related Autosomal Dominant Neurodevelopmental Disorder. Identifiers: Orphanet 686488, MedGen C5935628, MONDO:0971172, OMIM 620851.

gnomAD v4.1: 2 of 152,104 alleles (0.0013%); highest among the groups gnomAD compares: African/African-American, 0.0024%; no homozygotes.

Submission:

Centre for Population Genomics, CPG
Classification: Uncertain significance for RNU4-2-Related Neurodevelopmental Disorder. Last evaluated: 2026-02-11. Review status: criteria provided, single submitter. Criteria: Ellingford et al. (Genome Med. 2022). Collection method: research. Allele origin: germline. Inheritance: Autosomal recessive inheritance. Affected: yes. Observed: 4 variant alleles, 3 compound heterozygotes, 1 homozygote.
Comment: PM2_supp,PS3_supp,PM1,PM3_supp